The following is an entry in ClinVar:

NM_005334.3(HCFC1):c.4168G>C (p.Gly1390Arg)

Gene: HCFC1 (host cell factor C1; minus strand). Cytogenetic location: Xq28.
Variant type: single nucleotide variant.
Coding change: c.4168G>C on transcript NM_005334.3 (MANE Select); coding-DNA position 4168, G replaced by C.
Protein change: p.Gly1390Arg; replaces glycine 1390 with arginine.
Molecular consequence: missense variant.
Genome position (GRCh38, 1-based): chrX:153,954,231, C>G on the plus strand (G>C on the coding strand, the complement: HCFC1 is on the minus strand). VCF-style: chrX-153954231-C-G. GRCh37 (hg19) VCF-style: chrX-153219682-C-G.
Other names: c.4168G>C, p.Gly1390Arg (NM_001440847.1, NM_001440848.1, NM_001440849.1 and 5 more transcripts); c.3970G>C, p.Gly1324Arg (NM_001440850.1, NM_001440851.1); short protein forms G1390R, G1324R.
Identifiers: ClinVar variation 4759806 (VCV004759806.1).

ClinVar aggregate classification (germline): Uncertain significance (1 of 4 stars; one submission).

Conditions:
Methylmalonic acidemia with homocystinuria, type cblX (MAHCX). Also called: INTELLECTUAL DEVELOPMENTAL DISORDER, X-LINKED 3. Identifiers: Orphanet 369962, MedGen C0796208, MONDO:0010657, OMIM 309541.

Submission:

Labcorp Genetics (formerly Invitae), Labcorp
Classification: Uncertain significance for Methylmalonic acidemia with homocystinuria, type cblX. Last evaluated: 2025-03-10. Review status: criteria provided, single submitter. Criteria: Invitae Variant Classification Sherloc (09022015). Collection method: clinical testing. Allele origin: germline.
Comment: This sequence change replaces glycine, which is neutral and non-polar, with arginine, which is basic and polar, at codon 1390 of the HCFC1 protein (p.Gly1390Arg). This variant is not present in population databases (gnomAD no frequency). This variant has not been reported in the literature in individuals affected with HCFC1-related conditions. An algorithm developed to predict the effect of missense changes on protein structure and function (PolyPhen-2) suggests that this variant is likely to be tolerated. In summary, the available evidence is currently insufficient to determine the role of this variant in disease. Therefore, it has been classified as a Variant of Uncertain Significance.